The following is an entry in ClinVar:

ClinVar aggregate classification (germline): Likely pathogenic (1 of 4 stars; one submission).

Conditions:
Familial cancer of breast. Also called: BREAST CANCER, FAMILIAL; Hereditary breast cancer; hereditary breast carcinoma. Identifiers: Orphanet 227535, MedGen C0346153, MONDO:0016419, OMIM 114480. Disease mechanism: loss of function.

Submission:

Labcorp Genetics (formerly Invitae), Labcorp
Classification: Likely pathogenic for Familial cancer of breast. Last evaluated: 2020-07-07. Review status: criteria provided, single submitter. Criteria: Invitae Variant Classification Sherloc (09022015). Collection method: clinical testing. Allele origin: unknown.
Comment: This variant results in the deletion of exon 10 and part of exon 11 (c.3360_2020delins42) of the BARD1 gene. While this is not anticipated to result in nonsense mediated decay, it likely alters RNA splicing and results in a disrupted protein product. This variant has not been reported in the literature in individuals with BARD1-related conditions. In summary, the currently available evidence indicates that the variant is pathogenic, but additional data are needed to prove that conclusively. Therefore, this variant has been classified as Likely Pathogenic. This variant disrupts the BRCT domain of the BARD1 protein, which is essential for promoting chromosome stability and homology-directed DNA repair (PMID: 17848578). While functional studies have not been performed to directly test the effect of this variant on BARD1 protein function, this suggests that disruption of this region of the protein is causative of disease.

Literature cited by the submitters: PubMed 17848578.

NC_000002.11:g.(?_215593714)_(215598592_?)del

Gene: BARD1 (BRCA1 associated RING domain 1; minus strand). Cytogenetic location: 2q35.
Variant type: Deletion.
Identifiers: ClinVar variation 3247184 (VCV003247184.1).